The following is an entry in ClinVar:

ClinVar aggregate classification (germline): Uncertain significance (1 of 4 stars; one submission).

Allele frequency attached by ClinVar (database versions not stated): gnomAD exomes below 0.00001 and 0.00001; TOPMed below 0.00001.
gnomAD v4.1: 2 of 1,606,410 alleles (0.00012%); highest among the groups gnomAD compares: Admixed American, 0.0033%; no homozygotes.

Submission:

Labcorp Genetics (formerly Invitae), Labcorp
Classification: Uncertain significance. Last evaluated: 2022-06-25. Review status: criteria provided, single submitter. Criteria: Invitae Variant Classification Sherloc (09022015). Collection method: clinical testing. Allele origin: germline.
Comment: This sequence change replaces aspartic acid, which is acidic and polar, with valine, which is neutral and non-polar, at codon 1785 of the CDH23 protein (p.Asp1785Val). This variant is present in population databases (no rsID available, gnomAD 0.006%). This variant has not been reported in the literature in individuals affected with CDH23-related conditions. Algorithms developed to predict the effect of missense changes on protein structure and function are either unavailable or do not agree on the potential impact of this missense change (SIFT: "Deleterious"; PolyPhen-2: "Not Available"; Align-GVGD: "Class C0"). Algorithms developed to predict the effect of sequence changes on RNA splicing suggest that this variant may create or strengthen a splice site. In summary, the available evidence is currently insufficient to determine the role of this variant in disease. Therefore, it has been classified as a Variant of Uncertain Significance.

NM_022124.6(CDH23):c.5354A>T (p.Asp1785Val)

Gene: CDH23 (cadherin related 23; plus strand). Cytogenetic location: 10q22.1.
Variant type: single nucleotide variant.
Coding change: c.5354A>T on transcript NM_022124.6 (MANE Select); coding-DNA position 5354, A replaced by T.
Protein change: p.Asp1785Val; replaces aspartic acid 1785 with valine.
Molecular consequence: missense variant.
Genome position (GRCh38, 1-based): chr10:71,779,433, A>T. VCF-style: chr10-71779433-A-T. GRCh37 (hg19) VCF-style: chr10-73539190-A-T.
Other names: short protein forms D1785V.
Identifiers: ClinVar variation 1388182 (VCV001388182.3), dbSNP rs983649634, ClinGen allele CA209453582.
Genomic context (GRCh38, chr10:71,779,433, plus strand): 5'-CCTTCCTGGCCCATGACCGAGACTCAGGACCCAACGGGCAGGTGGAGTACAGCATCATGG[A>T]TGGAGACCCTCTGGGTGAGTGGGGCTTGGGGCATGCCACCCACAGGGTCTCACCTGCACA-3'
Protein context (NP_071407.4, residues 1775-1795): PNGQVEYSIM[Asp1785Val]GDPLGEFVIS